The following is an entry in ClinVar:

NM_024642.5(GALNT12):c.565A>C (p.Asn189His)

Gene: GALNT12 (polypeptide N-acetylgalactosaminyltransferase 12; plus strand). Cytogenetic location: 9q22.33.
Variant type: single nucleotide variant.
Coding change: c.565A>C on transcript NM_024642.5 (MANE Select); coding-DNA position 565, A replaced by C.
Protein change: p.Asn189His; replaces asparagine 189 with histidine.
Molecular consequence: missense variant.
Genome position (GRCh38, 1-based): chr9:98,826,775, A>C. VCF-style: chr9-98826775-A-C. GRCh37 (hg19) VCF-style: chr9-101589057-A-C.
Other names: short protein forms N189H.
Identifiers: ClinVar variation 2907965 (VCV002907965.3), dbSNP rs1835865070, ClinGen allele CA374217316.

ClinVar aggregate classification (germline): Uncertain significance (1 of 4 stars; one submission).

Submission:

Labcorp Genetics (formerly Invitae), Labcorp
Classification: Uncertain significance. Last evaluated: 2023-02-04. Review status: criteria provided, single submitter. Criteria: Invitae Variant Classification Sherloc (09022015). Collection method: clinical testing. Allele origin: germline.
Comment: In summary, the available evidence is currently insufficient to determine the role of this variant in disease. Therefore, it has been classified as a Variant of Uncertain Significance. Advanced modeling of protein sequence and biophysical properties (such as structural, functional, and spatial information, amino acid conservation, physicochemical variation, residue mobility, and thermodynamic stability) performed at Invitae indicates that this missense variant is not expected to disrupt GALNT12 protein function. This variant has not been reported in the literature in individuals affected with GALNT12-related conditions. This variant is not present in population databases (gnomAD no frequency). This sequence change replaces asparagine, which is neutral and polar, with histidine, which is basic and polar, at codon 189 of the GALNT12 protein (p.Asn189His).